The following is an entry in ClinVar:

NM_000535.7(PMS2):c.1367C>A (p.Ser456Tyr)

Gene: PMS2 (PMS1 homolog 2, mismatch repair system component; minus strand). Cytogenetic location: 7p22.1.
Variant type: single nucleotide variant.
Coding change: c.1367C>A on transcript NM_000535.7 (MANE Select); coding-DNA position 1367, C replaced by A.
Protein change: p.Ser456Tyr; replaces serine 456 with tyrosine.
Molecular consequence: missense variant. On other transcripts: non-coding transcript variant (1), intron variant (1).
Genome position (GRCh38, 1-based): chr7:5,987,398, G>T on the plus strand (C>A on the coding strand, the complement: PMS2 is on the minus strand). VCF-style: chr7-5987398-G-T. GRCh37 (hg19) VCF-style: chr7-6027029-G-T.
Other names: c.962C>A, p.Ser321Tyr (NM_001018040.1, NM_001322003.2, NM_001322004.2 and 17 more transcripts); c.1211C>A, p.Ser404Tyr (NM_001322006.2, NM_001406870.1); c.1049C>A, p.Ser350Tyr (NM_001322007.2, NM_001322008.2, NM_001406876.1 and 2 more transcripts); c.806C>A, p.Ser269Tyr (NM_001322010.2, NM_001406906.1, NM_001406907.1); c.434C>A, p.Ser145Tyr (NM_001322011.2, NM_001322012.2); c.794C>A, p.Ser265Tyr (NM_001322013.2, NM_001406909.1); c.1367C>A, p.Ser456Tyr (NM_001322014.2, NM_001406871.1, NM_001406872.1); c.1058C>A, p.Ser353Tyr (NM_001322015.2, NM_001406875.1, NM_001406877.1 and 5 more transcripts); and 13 more; short protein forms S269Y, S298Y, S301Y, S321Y, S353Y, S390Y, S456Y, S350Y.
Identifiers: ClinVar variation 2566066 (VCV002566066.2), dbSNP rs2128732293, ClinGen allele CA366742228.
Genomic context (GRCh38, chr7:5,987,398, plus strand): 5'-CTCACTGCCTCTTTCTGAGGTCTCAGGACGCCTTTGTCAGAGATGGCACCTGAAGTGCTA[G>T]AAGACAGCATACCCCTTTTCTGTCCTAGAGGGCTCCTTCTTGGTTCTGGAGTCTTTGGGC-3'
Protein context (NP_000526.2, residues 446-466): PLGQKRGMLS[Ser456Tyr]STSGAISDKG

ClinVar aggregate classification (germline): Uncertain significance (1 of 4 stars; one submission).

Conditions:
Hereditary cancer-predisposing syndrome. Also called: Neoplastic Syndromes, Hereditary; Hereditary Cancer Syndrome; Hereditary neoplastic syndrome; Tumor predisposition. Identifiers: Orphanet 140162, MedGen C0027672, MeSH D009386, MONDO:0015356.

Submission:

Ambry Genetics
Classification: Uncertain significance for Hereditary cancer-predisposing syndrome. Last evaluated: 2023-03-17. Review status: criteria provided, single submitter. Criteria: Ambry Variant Classification Scheme 2023. Collection method: clinical testing. Allele origin: germline.
Comment: The p.S456Y variant (also known as c.1367C>A), located in coding exon 11 of the PMS2 gene, results from a C to A substitution at nucleotide position 1367. The serine at codon 456 is replaced by tyrosine, an amino acid with dissimilar properties. This amino acid position is conserved. In addition, this alteration is predicted to be tolerated by in silico analysis. Since supporting evidence is limited at this time, the clinical significance of this alteration remains unclear.